The following is an entry in ClinVar:

NM_001972.4(ELANE):c.618G>C (p.Leu206Phe)

Gene: ELANE (elastase, neutrophil expressed; plus strand). Cytogenetic location: 19p13.3.
Variant type: single nucleotide variant.
Coding change: c.618G>C on transcript NM_001972.4 (MANE Select); coding-DNA position 618, G replaced by C.
Protein change: p.Leu206Phe; replaces leucine 206 with phenylalanine.
Molecular consequence: missense variant.
Genome position (GRCh38, 1-based): chr19:855,978, G>C. VCF-style: chr19-855978-G-C. GRCh37 (hg19) VCF-style: chr19-855978-G-C.
Other names: short protein forms L206F.
Identifiers: ClinVar variation 803508 (VCV000803508.2), dbSNP rs137854446, ClinGen allele CA402918918.

ClinVar aggregate classification (germline): Conflicting classifications of pathogenicity. Review status: criteria provided, conflicting classifications (1 of 4 stars). 2 submissions from 2 submitters: Likely pathogenic (1); Uncertain significance (1). Last evaluated 2025-09-03.

Conditions:
Cyclical neutropenia. Also called: Cyclic Neutropenia; Cyclic hematopoiesis. Identifiers: Orphanet 2686, MedGen C0221023, MONDO:0008090, OMIM 162800, HP:0040289. Disease mechanism: loss of function.
Neutropenia, severe congenital, 1, autosomal dominant. Identifiers: MedGen C1859966, MONDO:0042490, OMIM 202700.

Submissions (2):

Labcorp Genetics (formerly Invitae), Labcorp
Classification: Uncertain significance for Neutropenia, severe congenital, 1, autosomal dominant; Cyclical neutropenia. Last evaluated: 2025-09-03. Review status: criteria provided, single submitter. Criteria: Invitae Variant Classification Sherloc (09022015). Collection method: clinical testing. Allele origin: germline.
Comment: This sequence change replaces leucine, which is neutral and non-polar, with phenylalanine, which is neutral and non-polar, at codon 206 of the ELANE protein (p.Leu206Phe). This variant is not present in population databases (gnomAD no frequency). This missense change has been observed in individuals with clinical features of cyclic neutropenia (PMID: 10581030; internal data). This variant is also known as p.Leu177Phe. ClinVar contains an entry for this variant (Variation ID: 803508). Invitae Evidence Modeling of protein sequence and biophysical properties (such as structural, functional, and spatial information, amino acid conservation, physicochemical variation, residue mobility, and thermodynamic stability) has been performed for this missense variant. However, the output from this modeling did not meet the statistical confidence thresholds required to predict the impact of this variant on ELANE protein function. In summary, the available evidence is currently insufficient to determine the role of this variant in disease. Therefore, it has been classified as a Variant of Uncertain Significance.

Mendelics
Classification: Likely pathogenic for Cyclical neutropenia. Last evaluated: 2019-05-28. Review status: criteria provided, single submitter. Criteria: Mendelics Assertion Criteria 2017. Collection method: clinical testing. Allele origin: unknown.

Literature cited by the submitters: PubMed 10581030 (cited by Labcorp Genetics (formerly Invitae), Labcorp).